The following is an entry in ClinVar:

NM_000038.6(APC):c.2760T>A (p.Asn920Lys)

Gene: APC (APC regulator of Wnt signaling pathway; plus strand). Cytogenetic location: 5q22.2.
Variant type: single nucleotide variant.
Coding change: c.2760T>A on transcript NM_000038.6 (MANE Select); coding-DNA position 2760, T replaced by A.
Protein change: p.Asn920Lys; replaces asparagine 920 with lysine.
Molecular consequence: missense variant.
Genome position (GRCh38, 1-based): chr5:112,838,354, T>A. VCF-style: chr5-112838354-T-A. GRCh37 (hg19) VCF-style: chr5-112174051-T-A.
Other names: c.2760T>A, p.Asn920Lys (NM_001127510.3, NM_001354895.2, NM_001407450.1); c.2706T>A, p.Asn902Lys (NM_001127511.3); c.2814T>A, p.Asn938Lys (NM_001354896.2, NM_001407447.1, NM_001407448.1 and 1 more transcripts); c.2790T>A, p.Asn930Lys (NM_001354897.2); c.2685T>A, p.Asn895Lys (NM_001354898.2); c.2676T>A, p.Asn892Lys (NM_001354899.2); c.2637T>A, p.Asn879Lys (NM_001354900.2); c.2583T>A, p.Asn861Lys (NM_001354901.2, NM_001407453.1); and 11 more; short protein forms N536K, N637K, N760K, N791K, N794K, N819K, N829K, N837K.
Identifiers: ClinVar variation 1714050 (VCV001714050.6), dbSNP rs1554084427, ClinGen allele CA16027354.
Genomic context (GRCh38, chr5:112,838,354, plus strand): 5'-TCAGGAAGACAGAAGTTCTGGGTCTACCACTGAATTACATTGTGTGACAGATGAGAGAAA[T>A]GCACTTAGAAGAAGCTCTGCTGCCCATACACATTCAAACACTTACAATTTCACTAAGTCG-3'
Protein context (NP_000029.2, residues 910-930): TELHCVTDER[Asn920Lys]ALRRSSAAHT

ClinVar aggregate classification (germline): Uncertain significance (1 of 4 stars; one submission).

Conditions:
Familial adenomatous polyposis 1 (FAP1). Also called: POLYPOSIS, ADENOMATOUS INTESTINAL; FAMILIAL ADENOMATOUS POLYPOSIS 1, ATTENUATED. Identifiers: MedGen C2713442, MONDO:0021056, OMIM 175100. Disease mechanism: loss of function.

Submission:

Labcorp Genetics (formerly Invitae), Labcorp
Classification: Uncertain significance for Familial adenomatous polyposis 1. Last evaluated: 2024-11-30. Review status: criteria provided, single submitter. Criteria: Invitae Variant Classification Sherloc (09022015). Collection method: clinical testing. Allele origin: germline.
Comment: This sequence change replaces asparagine, which is neutral and polar, with lysine, which is basic and polar, at codon 920 of the APC protein (p.Asn920Lys). This variant is not present in population databases (gnomAD no frequency). This variant has not been reported in the literature in individuals affected with APC-related conditions. ClinVar contains an entry for this variant (Variation ID: 1714050). Invitae Evidence Modeling of protein sequence and biophysical properties (such as structural, functional, and spatial information, amino acid conservation, physicochemical variation, residue mobility, and thermodynamic stability) indicates that this missense variant is not expected to disrupt APC protein function with a negative predictive value of 95%. In summary, the available evidence is currently insufficient to determine the role of this variant in disease. Therefore, it has been classified as a Variant of Uncertain Significance.